The following is an entry in ClinVar:

NM_015311.3(OBSL1):c.1030A>G (p.Thr344Ala)

Gene: OBSL1 (obscurin like cytoskeletal adaptor 1; minus strand). Cytogenetic location: 2q35.
Variant type: single nucleotide variant.
Coding change: c.1030A>G on transcript NM_015311.3 (MANE Select); coding-DNA position 1030, A replaced by G.
Protein change: p.Thr344Ala; replaces threonine 344 with alanine.
Molecular consequence: missense variant.
Genome position (GRCh38, 1-based): chr2:219,568,307, T>C on the plus strand (A>G on the coding strand, the complement: OBSL1 is on the minus strand). VCF-style: chr2-219568307-T-C. GRCh37 (hg19) VCF-style: chr2-220433029-T-C.
Other names: c.1030A>G, p.Thr344Ala (NM_001173408.2, NM_001173431.2); short protein forms T344A.
Identifiers: ClinVar variation 1449031 (VCV001449031.8), dbSNP rs199548396, ClinGen allele CA2131661.
Genomic context (GRCh38, chr2:219,568,307, plus strand): 5'-CTTTACATTCCAGCACGGCAATCCCGTGCTCACGGCCCTCCACGTCCTGCAGGGGCCGTG[T>C]GAACCGGAGGCGGGGCTCTGTGGAGAGGGGAGAGAGAGACAAGAGAGGGCTCTGGAGAAG-3'
Protein context (NP_056126.1, residues 334-354): LHVKEPRLRF[Thr344Ala]RPLQDVEGRE

ClinVar aggregate classification (germline): Uncertain significance (1 of 4 stars; one submission).

Allele frequency attached by ClinVar (database versions not stated): gnomAD 0.00001 and 0.00003; gnomAD exomes 0.00013 and 0.00019; ExAC 0.00019; 1000 Genomes Project 30x 0.00031; 1000 Genomes Project 0.00040.
gnomAD v4.1: 268 of 1,605,634 alleles (0.017%); highest among the groups gnomAD compares: East Asian, 0.6%; 1 homozygote.

Submission:

Labcorp Genetics (formerly Invitae), Labcorp
Classification: Uncertain significance. Last evaluated: 2022-02-04. Review status: criteria provided, single submitter. Criteria: Invitae Variant Classification Sherloc (09022015). Collection method: clinical testing. Allele origin: germline.
Comment: In summary, the available evidence is currently insufficient to determine the role of this variant in disease. Therefore, it has been classified as a Variant of Uncertain Significance. Algorithms developed to predict the effect of missense changes on protein structure and function output the following: SIFT: "Tolerated"; PolyPhen-2: "Benign"; Align-GVGD: "Class C0". The alanine amino acid residue is found in multiple mammalian species, which suggests that this missense change does not adversely affect protein function. This variant has not been reported in the literature in individuals affected with OBSL1-related conditions. This variant is present in population databases (rs199548396, gnomAD 0.2%). This sequence change replaces threonine, which is neutral and polar, with alanine, which is neutral and non-polar, at codon 344 of the OBSL1 protein (p.Thr344Ala).